The following is an entry in ClinVar:

NM_005458.8(GABBR2):c.726G>C (p.Lys242Asn)

Genes: GABBR2 (gamma-aminobutyric acid type B receptor subunit 2; minus strand), LOC126860700 (CDK7 strongly-dependent group 2 enhancer GRCh37_chr9:101257622-101258821; plus strand). Cytogenetic location: 9q22.33.
Variant type: single nucleotide variant.
Coding change: c.726G>C on transcript NM_005458.8 (MANE Select); coding-DNA position 726, G replaced by C.
Protein change: p.Lys242Asn; replaces lysine 242 with asparagine.
Molecular consequence: missense variant.
Genome position (GRCh38, 1-based): chr9:98,496,419, C>G on the plus strand (G>C on the coding strand, the complement: GABBR2 is on the minus strand). VCF-style: chr9-98496419-C-G. GRCh37 (hg19) VCF-style: chr9-101258701-C-G.
Other names: short protein forms K242N.
Identifiers: ClinVar variation 4767964 (VCV004767964.1).
Genomic context (GRCh38, chr9:98,496,419, plus strand): 5'-CACCCAGGGCATTGAGATCAGTCTGCCATTCACCCTGTGGCTAGCCACACCTACCTTCAG[C>G]TTTTTGACACTGGTACAGGGATCGTTGGAGAAGCTCTCGGTGTCTGAAATCTCAATGTCC-3'
Protein context (NP_005449.5, residues 232-252): FSNDPCTSVK[Lys242Asn]LKGNDVRIIL

ClinVar aggregate classification (germline): Uncertain significance (1 of 4 stars; one submission).

Conditions:
Epileptic encephalopathy. Identifiers: MedGen C0543888, HP:0200134.

Submission:

Labcorp Genetics (formerly Invitae), Labcorp
Classification: Uncertain significance for Epileptic encephalopathy. Last evaluated: 2025-05-07. Review status: criteria provided, single submitter. Criteria: Invitae Variant Classification Sherloc (09022015). Collection method: clinical testing. Allele origin: germline.
Comment: This sequence change replaces lysine, which is basic and polar, with asparagine, which is neutral and polar, at codon 242 of the GABBR2 protein (p.Lys242Asn). This variant is not present in population databases (gnomAD no frequency). This variant has not been reported in the literature in individuals affected with GABBR2-related conditions. Invitae Evidence Modeling of protein sequence and biophysical properties (such as structural, functional, and spatial information, amino acid conservation, physicochemical variation, residue mobility, and thermodynamic stability) indicates that this missense variant is not expected to disrupt GABBR2 protein function with a negative predictive value of 80%. In summary, the available evidence is currently insufficient to determine the role of this variant in disease. Therefore, it has been classified as a Variant of Uncertain Significance.